The following is an entry in ClinVar:

NM_012179.4(FBXO7):c.345G>A (p.Met115Ile)

Gene: FBXO7 (F-box protein 7; plus strand). Cytogenetic location: 22q12.3.
Variant type: single nucleotide variant.
Coding change: c.345G>A on transcript NM_012179.4 (MANE Select); coding-DNA position 345, G replaced by A.
Protein change: p.Met115Ile; replaces methionine 115 with isoleucine.
Molecular consequence: missense variant. On other transcripts: initiator codon variant (1).
Genome position (GRCh38, 1-based): chr22:32,479,203, G>A. VCF-style: chr22-32479203-G-A. GRCh37 (hg19) VCF-style: chr22-32875190-G-A.
Other names: c.108G>A, p.Met36Ile (NM_001033024.2); c.3G>A, p.Met1Ile (NM_001257990.2); short protein forms M115I, M1I, M36I.
Identifiers: ClinVar variation 195275 (VCV000195275.25), dbSNP rs11107, ClinGen allele CA201655.
Genomic context (GRCh38, chr22:32,479,203, plus strand): 5'-TTCTTCACTCCAGAATAATGAGCAACCCTCTTTGGCCACCAGCTCCAATCAGACTAGCAT[G>A]CAGGATGAACAACCAAGTGATTCATTCCAAGGACAGGCAGCCCAGTCTGGTGTTTGGAAT-3'
Protein context (NP_036311.3, residues 105-125): SLATSSNQTS[Met115Ile]QDEQPSDSFQ

ClinVar aggregate classification (germline): Benign. Review status: criteria provided, multiple submitters, no conflicts (2 of 4 stars). 9 submissions from 9 submitters: Benign (7). 2 of the submissions do not count toward it. Last evaluated 2026-02-04.

Conditions:
Parkinsonian-pyramidal syndrome. Also called: PARKINSON DISEASE 15, AUTOSOMAL RECESSIVE; PARKINSON DISEASE 15, AUTOSOMAL RECESSIVE EARLY-ONSET; PALLIDOPYRAMIDAL SYNDROME. Identifiers: Orphanet 171695, MedGen C1850100, MONDO:0009830, OMIM 260300.

Allele frequency attached by ClinVar (database versions not stated): TOPMed 0.41831; ExAC 0.44003; 1000 Genomes Project 30x 0.48485; 1000 Genomes Project 0.48742; ESP Exome Variant Server 0.37229; gnomAD 0.40992 and 0.41706.

Submissions (9):

Labcorp Genetics (formerly Invitae), Labcorp
Classification: Benign for Parkinsonian-pyramidal syndrome. Last evaluated: 2026-02-04. Review status: criteria provided, single submitter. Criteria: Invitae Variant Classification Sherloc (09022015). Collection method: clinical testing. Allele origin: germline.

Mayo Clinic Laboratories, Mayo Clinic
Classification: Benign. Last evaluated: 2023-01-06. Review status: criteria provided, single submitter. Criteria: ACMG Guidelines, 2015. Collection method: clinical testing. Allele origin: germline. Observed: 391 variant alleles.
Comment: BA1, BP4

GeneDx
Classification: Benign. Last evaluated: 2018-08-17. Review status: criteria provided, single submitter. Criteria: GeneDx Variant Classification Process June 2021. Collection method: clinical testing. Allele origin: germline. Affected: yes.
Comment: This variant is associated with the following publications: (PMID: 23222517)

Illumina Laboratory Services, Illumina
Classification: Benign for Parkinsonian-pyramidal syndrome. Last evaluated: 2018-01-12. Review status: criteria provided, single submitter. Criteria: ICSL Variant Classification Criteria 13 December 2019. Collection method: clinical testing. Allele origin: germline.
Comment: This variant was observed in the ICSL laboratory as part of a predisposition screen in an ostensibly healthy population. It had not been previously curated by ICSL or reported in the Human Gene Mutation Database (HGMD: prior to June 1st, 2018), and was therefore a candidate for classification through an automated scoring system. Utilizing variant allele frequency, disease prevalence and penetrance estimates, and inheritance mode, an automated score was calculated to assess if this variant is too frequent to cause the disease. Based on the score and internal cut-off values, a variant classified as benign is not then subjected to further curation. The score for this variant resulted in a classification of benign for this disease.

Clinical Genetics DNA and cytogenetics Diagnostics Lab, Erasmus MC, Erasmus Medical Center
Classification: Benign for Parkinsonian-pyramidal syndrome. Last evaluated: 2015-09-21. Review status: criteria provided, single submitter. Criteria: ACGS Guidelines, 2013. Collection method: clinical testing. Allele origin: germline. Affected: yes. Study: VKGL Data-share Consensus.

Eurofins Ntd Llc (ga)
Classification: Benign. Last evaluated: 2015-05-21. Review status: criteria provided, single submitter. Criteria: EGL Classification Definitions 2015. Collection method: clinical testing. Allele origin: germline. Observed: 1 variant allele, 1 homozygote.

Breakthrough Genomics
Classification: Benign. Review status: criteria provided, single submitter. Criteria: ACMG Guidelines, 2015. Collection method: not provided. Allele origin: germline. Inheritance: Autosomal recessive inheritance. Affected: yes.

Genome Diagnostics Laboratory, Amsterdam University Medical Center
Classification: Benign for Parkinsonian-pyramidal syndrome. Last evaluated: 2016-04-22. Review status: no assertion criteria provided. Criteria: ACGS Guidelines, 2013. Collection method: clinical testing. Allele origin: germline. Affected: yes. Study: VKGL Data-share Consensus. Not counted in ClinVar's aggregate classification.

Diagnostic Laboratory, Department of Genetics, University Medical Center Groningen
Classification: Benign for Parkinsonian-pyramidal syndrome. Review status: no assertion criteria provided. Collection method: clinical testing. Allele origin: germline. Affected: yes. Study: VKGL Data-share Consensus. Not counted in ClinVar's aggregate classification.